The following is an entry in ClinVar:

NM_001256715.2(DNAAF3):c.-4-1G>A

Genes: DNAAF3 (dynein axonemal assembly factor 3; minus strand), DNAAF3-AS1 (DNAAF3 antisense RNA 1; plus strand). Cytogenetic location: 19q13.42.
Variant type: single nucleotide variant.
Coding change: c.-4-1G>A on transcript NM_001256715.2 (MANE Select); the canonical splice acceptor site of the intron before 4 bases upstream of the start codon, G replaced by A.
Molecular consequence: splice acceptor variant.
Genome position (GRCh38, 1-based): chr19:55,166,418, C>T on the plus strand (G>A on the coding strand, the complement: DNAAF3 is on the minus strand). VCF-style: chr19-55166418-C-T. GRCh37 (hg19) VCF-style: chr19-55677786-C-T.
Other names: c.138-1G>A (NM_178837.4, NM_001256714.1); c.-242-1G>A (NM_001256716.2).
Identifiers: ClinVar variation 1470747 (VCV001470747.6), dbSNP rs2147311724, ClinGen allele CA407463527.

ClinVar aggregate classification (germline): Likely pathogenic (1 of 4 stars; one submission).

Conditions:
Primary ciliary dyskinesia. Also called: Ciliary dyskinesia. Identifiers: Orphanet 244, MedGen C0008780, MONDO:0016575, HP:0012265.

Submission:

Labcorp Genetics (formerly Invitae), Labcorp
Classification: Likely pathogenic for Primary ciliary dyskinesia. Last evaluated: 2021-09-23. Review status: criteria provided, single submitter. Criteria: Invitae Variant Classification Sherloc (09022015). Collection method: clinical testing. Allele origin: germline.
Comment: In summary, the currently available evidence indicates that the variant is pathogenic, but additional data are needed to prove that conclusively. Therefore, this variant has been classified as Likely Pathogenic. Algorithms developed to predict the effect of sequence changes on RNA splicing suggest that this variant may disrupt the consensus splice site. Disruption of this splice site has been observed in individual(s) with primary ciliary dyskinesia (Invitae). This variant is not present in population databases (ExAC no frequency). This sequence change affects an acceptor splice site in intron 1 of the DNAAF3 gene. It is expected to disrupt RNA splicing. Variants that disrupt the donor or acceptor splice site typically lead to a loss of protein function (PMID: 16199547), and loss-of-function variants in DNAAF3 are known to be pathogenic (PMID: 22387996).

Literature cited by the submitters: PubMed 16199547; PubMed 22387996.